The following is an entry in ClinVar:

NM_138395.4(MARS2):c.241C>A (p.Pro81Thr)

Gene: MARS2 (methionyl-tRNA synthetase 2, mitochondrial; plus strand). Cytogenetic location: 2q33.1.
Variant type: single nucleotide variant.
Coding change: c.241C>A on transcript NM_138395.4 (MANE Select); coding-DNA position 241, C replaced by A.
Protein change: p.Pro81Thr; replaces proline 81 with threonine.
Molecular consequence: missense variant.
Genome position (GRCh38, 1-based): chr2:197,705,646, C>A. VCF-style: chr2-197705646-C-A. GRCh37 (hg19) VCF-style: chr2-198570370-C-A.
Other names: short protein forms P81T.
Identifiers: ClinVar variation 2842561 (VCV002842561.3), dbSNP rs2468940708, ClinGen allele CA350211776.

ClinVar aggregate classification (germline): Uncertain significance (1 of 4 stars; one submission).

Submission:

Labcorp Genetics (formerly Invitae), Labcorp
Classification: Uncertain significance. Last evaluated: 2023-04-30. Review status: criteria provided, single submitter. Criteria: Invitae Variant Classification Sherloc (09022015). Collection method: clinical testing. Allele origin: germline.
Comment: In summary, the available evidence is currently insufficient to determine the role of this variant in disease. Therefore, it has been classified as a Variant of Uncertain Significance. Advanced modeling of protein sequence and biophysical properties (such as structural, functional, and spatial information, amino acid conservation, physicochemical variation, residue mobility, and thermodynamic stability) performed at Invitae indicates that this missense variant is not expected to disrupt MARS2 protein function. This variant has not been reported in the literature in individuals affected with MARS2-related conditions. This variant is not present in population databases (gnomAD no frequency). This sequence change replaces proline, which is neutral and non-polar, with threonine, which is neutral and polar, at codon 81 of the MARS2 protein (p.Pro81Thr).